The following is an entry in ClinVar:

ClinVar aggregate classification (germline): Likely benign (1 of 4 stars; one submission).

Conditions:
PITX3-related disorder. Also called: PITX3-related condition.

gnomAD v4.1: 13 of 1,611,004 alleles (0.00081%); highest among the groups gnomAD compares: African/African-American, 0.012%; no homozygotes.

Submission:

PreventionGenetics, part of Exact Sciences
Classification: Likely benign for PITX3-related condition. Last evaluated: 2026-03-05. Review status: criteria provided, single submitter. Criteria: ACMG Guidelines, 2015. Collection method: clinical testing. Allele origin: germline.
Comment: This variant is classified as likely benign based on ACMG/AMP sequence variant interpretation guidelines (Richards et al. 2015 PMID: 25741868, with internal and published modifications).

NM_005029.4(PITX3):c.822C>T (p.His274=)

Genes: PITX3 (paired like homeodomain 3; minus strand), LOC130004590 (ATAC-STARR-seq lymphoblastoid silent region 2752; plus strand). Cytogenetic location: 10q24.32.
Variant type: single nucleotide variant.
Coding change: c.822C>T on transcript NM_005029.4 (MANE Select); coding-DNA position 822, C replaced by T.
Protein change: p.His274=; no amino-acid change (histidine 274 retained).
Molecular consequence: synonymous variant.
Genome position (GRCh38, 1-based): chr10:102,230,601, G>A on the plus strand (C>T on the coding strand, the complement: PITX3 is on the minus strand). VCF-style: chr10-102230601-G-A. GRCh37 (hg19) VCF-style: chr10-103990358-G-A.
Identifiers: ClinVar variation 4980001 (VCV004980001.1).